The following is an entry in ClinVar:

NM_025137.4(SPG11):c.6367C>T (p.His2123Tyr)

Gene: SPG11 (SPG11 vesicle trafficking associated, spatacsin; minus strand). Cytogenetic location: 15q21.1.
Variant type: single nucleotide variant.
Coding change: c.6367C>T on transcript NM_025137.4 (MANE Select); coding-DNA position 6367, C replaced by T.
Protein change: p.His2123Tyr; replaces histidine 2123 with tyrosine.
Molecular consequence: missense variant.
Genome position (GRCh38, 1-based): chr15:44,570,635, G>A on the plus strand (C>T on the coding strand, the complement: SPG11 is on the minus strand). VCF-style: chr15-44570635-G-A. GRCh37 (hg19) VCF-style: chr15-44862833-G-A.
Other names: c.6028C>T, p.His2010Tyr (NM_001160227.2); short protein forms H2123Y, H2010Y.
Identifiers: ClinVar variation 623869 (VCV000623869.51), dbSNP rs1567129561, ClinGen allele CA392216463.

ClinVar aggregate classification (germline): Uncertain significance. Review status: criteria provided, multiple submitters, no conflicts (2 of 4 stars). 5 submissions from 3 submitters: Uncertain significance (5). Last evaluated 2019-04-10.

Conditions:
Charcot-Marie-Tooth disease axonal type 2X. Also called: CHARCOT-MARIE-TOOTH DISEASE, AXONAL, AUTOSOMAL RECESSIVE, TYPE 2X; CHARCOT-MARIE-TOOTH NEUROPATHY, TYPE 2X. Identifiers: Orphanet 466775, MedGen C5569024, MONDO:0014726, OMIM 616668.
Amyotrophic lateral sclerosis type 5 (ALS5). Also called: AMYOTROPHIC LATERAL SCLEROSIS 5, JUVENILE. Identifiers: Orphanet 300605, MedGen C1865864, MONDO:0011196, OMIM 602099.
Hereditary spastic paraplegia 11. Also called: Spastic Paraplegia 11; SPASTIC PARAPLEGIA, AUTOSOMAL RECESSIVE, COMPLICATED, WITH THIN CORPUS CALLOSUM; SPASTIC PARAPLEGIA, AUTOSOMAL RECESSIVE, WITH MENTAL IMPAIRMENT AND THIN CORPUS CALLOSUM; Nakamura Osame syndrome; Autosomal recessive hereditary spastic paraplegia, mental impairment, and thin corpus callosum; Spastic paraplegia, mental retardation and thin corpus callosum. Identifiers: Orphanet 2822, MedGen C1858479, MONDO:0011445, OMIM 604360.

Allele frequency attached by ClinVar (database versions not stated): gnomAD exomes below 0.00001.
gnomAD v4.1: 1 of 1,614,064 alleles (0.000062%); highest among the groups gnomAD compares: Non-Finnish European, 0.000085%; no homozygotes.

Submissions (5):

Labcorp Genetics (formerly Invitae), Labcorp
Classification: Uncertain significance for Hereditary spastic paraplegia 11. Last evaluated: 2019-04-10. Review status: criteria provided, single submitter. Criteria: Invitae Variant Classification Sherloc (09022015). Collection method: clinical testing. Allele origin: germline.
Comment: In summary, the available evidence is currently insufficient to determine the role of this variant in disease. Therefore, it has been classified as a Variant of Uncertain Significance. Algorithms developed to predict the effect of missense changes on protein structure and function (SIFT, PolyPhen-2, Align-GVGD) all suggest that this variant is likely to be disruptive, but these predictions have not been confirmed by published functional studies and their clinical significance is uncertain. This variant has not been reported in the literature in individuals with SPG11-related conditions. This variant is not present in population databases (ExAC no frequency). This sequence change replaces histidine with tyrosine at codon 2123 of the SPG11 protein (p.His2123Tyr). The histidine residue is highly conserved and there is a moderate physicochemical difference between histidine and tyrosine.

CeGaT Center for Human Genetics Tuebingen
Classification: Uncertain significance. Last evaluated: 2018-07-01. Review status: criteria provided, single submitter. Criteria: CeGaT Center For Human Genetics Tuebingen Variant Classification Criteria Version 2. Collection method: clinical testing. Allele origin: germline. Affected: yes. Observed: 1 variant allele.

Genome-Nilou Lab
Classification: Uncertain significance for Amyotrophic lateral sclerosis type 5. Review status: criteria provided, single submitter. Criteria: ACMG Guidelines, 2015. Collection method: clinical testing. Allele origin: germline.

Genome-Nilou Lab
Classification: Uncertain significance for Charcot-Marie-Tooth disease axonal type 2X. Review status: criteria provided, single submitter. Criteria: ACMG Guidelines, 2015. Collection method: clinical testing. Allele origin: germline.

Genome-Nilou Lab
Classification: Uncertain significance for Hereditary spastic paraplegia 11. Review status: criteria provided, single submitter. Criteria: ACMG Guidelines, 2015. Collection method: clinical testing. Allele origin: germline.